The following is an entry in ClinVar:

NM_001330078.2(NRXN1):c.370C>T (p.Arg124Cys)

Gene: NRXN1 (neurexin 1; minus strand). Cytogenetic location: 2p16.3.
Variant type: single nucleotide variant.
Coding change: c.370C>T on transcript NM_001330078.2 (MANE Select); coding-DNA position 370, C replaced by T.
Protein change: p.Arg124Cys; replaces arginine 124 with cysteine.
Molecular consequence: missense variant.
Genome position (GRCh38, 1-based): chr2:51,027,904, G>A on the plus strand (C>T on the coding strand, the complement: NRXN1 is on the minus strand). VCF-style: chr2-51027904-G-A. GRCh37 (hg19) VCF-style: chr2-51255042-G-A.
Other names: c.370C>T, p.Arg124Cys (NM_001135659.3, NM_001330077.2, NM_001330079.2 and 15 more transcripts); short protein forms R124C.
Identifiers: ClinVar variation 588147 (VCV000588147.18), dbSNP rs202244228, ClinGen allele CA1655501.

ClinVar aggregate classification (germline): Uncertain significance. Review status: criteria provided, multiple submitters, no conflicts (2 of 4 stars). 3 submissions from 3 submitters: Uncertain significance (3). Last evaluated 2025-05-17.

Conditions:
Inborn genetic diseases. Identifiers: MedGen C0950123, MeSH D030342.
Pitt-Hopkins-like syndrome 2 (PTHSL2). Identifiers: Orphanet 221150, Orphanet 600663, MedGen C3280479, MONDO:0013690, OMIM 614325.

Allele frequency attached by ClinVar (database versions not stated): TOPMed below 0.00001; gnomAD 0.00001; gnomAD exomes 0.00001; ExAC 0.00003; ESP Exome Variant Server 0.00008.
gnomAD v4.1: 17 of 1,609,576 alleles (0.0011%); highest among the groups gnomAD compares: African/African-American, 0.0013%; no homozygotes.

Submissions (3):

Labcorp Genetics (formerly Invitae), Labcorp
Classification: Uncertain significance for Pitt-Hopkins-like syndrome 2. Last evaluated: 2025-05-17. Review status: criteria provided, single submitter. Criteria: Invitae Variant Classification Sherloc (09022015). Collection method: clinical testing. Allele origin: germline.
Comment: This sequence change replaces arginine, which is basic and polar, with cysteine, which is neutral and slightly polar, at codon 124 of the NRXN1 protein (p.Arg124Cys). This variant is present in population databases (rs202244228, gnomAD 0.003%). This variant has not been reported in the literature in individuals affected with NRXN1-related conditions. ClinVar contains an entry for this variant (Variation ID: 588147). An algorithm developed to predict the effect of missense changes on protein structure and function (PolyPhen-2) suggests that this variant is likely to be disruptive. In summary, the available evidence is currently insufficient to determine the role of this variant in disease. Therefore, it has been classified as a Variant of Uncertain Significance.

GeneDx
Classification: Uncertain significance. Last evaluated: 2019-12-06. Review status: criteria provided, single submitter. Criteria: GeneDx Variant Classification Process June 2021. Collection method: clinical testing. Allele origin: germline. Affected: yes.
Comment: Not observed at a significant frequency in large population cohorts (Lek et al., 2016); In silico analysis, which includes protein predictors and evolutionary conservation, supports a deleterious effect; Missense variant in a gene in which most reported pathogenic variants are truncating/loss-of-function; This variant is associated with the following publications: (PMID: 27708434)

Ambry Genetics
Classification: Uncertain significance for Inborn genetic diseases. Last evaluated: 2016-08-23. Review status: criteria provided, single submitter. Criteria: Ambry Variant Classification Scheme 2023. Collection method: clinical testing. Allele origin: germline.
Comment: The p.R124C variant (also known as c.370C>T), located in coding exon 1 of the NRXN1 gene, results from a C to T substitution at nucleotide position 370. The arginine at codon 124 is replaced by cysteine, an amino acid with highly dissimilar properties. This variant was previously reported in the SNPDatabase as rs202244228. Based on data from the NHLBI Exome Sequencing Project (ESP), the T allele has an overall frequency of approximately 0.01% (1/12664) total alleles studied and 0.01% (1/8436) European American alleles. This amino acid position is not well conserved in available vertebrate species. In addition, the in silico prediction for this alteration is inconclusive. Since supporting evidence is limited at this time, the clinical significance of this alteration remains unclear.